The following is an entry in ClinVar:

NM_013432.5(TONSL):c.4081G>T (p.Gly1361Cys)

Gene: TONSL (tonsoku like, DNA repair protein; minus strand). Cytogenetic location: 8q24.3.
Variant type: single nucleotide variant.
Coding change: c.4081G>T on transcript NM_013432.5 (MANE Select); coding-DNA position 4081, G replaced by T.
Protein change: p.Gly1361Cys; replaces glycine 1361 with cysteine.
Molecular consequence: missense variant.
Genome position (GRCh38, 1-based): chr8:144,429,199, C>A on the plus strand (G>T on the coding strand, the complement: TONSL is on the minus strand). VCF-style: chr8-144429199-C-A. GRCh37 (hg19) VCF-style: chr8-145654582-C-A.
Other names: short protein forms G1361C.
Identifiers: ClinVar variation 1376463 (VCV001376463.6), dbSNP rs112909141, ClinGen allele CA372636957.

ClinVar aggregate classification (germline): Uncertain significance (1 of 4 stars; one submission).

Allele frequency attached by ClinVar (database versions not stated): gnomAD exomes below 0.00001.

Submission:

Labcorp Genetics (formerly Invitae), Labcorp
Classification: Uncertain significance. Last evaluated: 2021-09-21. Review status: criteria provided, single submitter. Criteria: Invitae Variant Classification Sherloc (09022015). Collection method: clinical testing. Allele origin: germline.
Comment: In summary, the available evidence is currently insufficient to determine the role of this variant in disease. Therefore, it has been classified as a Variant of Uncertain Significance. Algorithms developed to predict the effect of missense changes on protein structure and function output the following: SIFT: "Tolerated"; PolyPhen-2: "Benign"; Align-GVGD: "Class C0". The cysteine amino acid residue is found in multiple mammalian species, which suggests that this missense change does not adversely affect protein function. This variant has not been reported in the literature in individuals affected with TONSL-related conditions. The frequency data for this variant in the population databases is considered unreliable, as metrics indicate insufficient coverage at this position in the ExAC database. This sequence change replaces glycine with cysteine at codon 1361 of the TONSL protein (p.Gly1361Cys). The glycine residue is weakly conserved and there is a large physicochemical difference between glycine and cysteine.